The following is an entry in ClinVar:

NM_005901.6(SMAD2):c.1088A>G (p.Asn363Ser)

Gene: SMAD2 (SMAD family member 2; minus strand). Cytogenetic location: 18q21.1.
Variant type: single nucleotide variant.
Coding change: c.1088A>G on transcript NM_005901.6 (MANE Select); coding-DNA position 1088, A replaced by G.
Protein change: p.Asn363Ser; replaces asparagine 363 with serine.
Molecular consequence: missense variant.
Genome position (GRCh38, 1-based): chr18:47,845,710, T>C on the plus strand (A>G on the coding strand, the complement: SMAD2 is on the minus strand). VCF-style: chr18-47845710-T-C. GRCh37 (hg19) VCF-style: chr18-45372081-T-C.
Other names: c.1088A>G, p.Asn363Ser (NM_001003652.4); c.998A>G, p.Asn333Ser (NM_001135937.3); short protein forms N333S, N363S.
Identifiers: ClinVar variation 2049482 (VCV002049482.4), dbSNP rs2144290312, ClinGen allele CA402504005.

ClinVar aggregate classification (germline): Uncertain significance (1 of 4 stars; one submission).

Submission:

Labcorp Genetics (formerly Invitae), Labcorp
Classification: Uncertain significance. Last evaluated: 2022-02-03. Review status: criteria provided, single submitter. Criteria: Invitae Variant Classification Sherloc (09022015). Collection method: clinical testing. Allele origin: germline.
Comment: In summary, the available evidence is currently insufficient to determine the role of this variant in disease. Therefore, it has been classified as a Variant of Uncertain Significance. Algorithms developed to predict the effect of missense changes on protein structure and function (SIFT, PolyPhen-2, Align-GVGD) all suggest that this variant is likely to be disruptive. This variant has not been reported in the literature in individuals affected with SMAD2-related conditions. This variant is not present in population databases (gnomAD no frequency). This sequence change replaces asparagine, which is neutral and polar, with serine, which is neutral and polar, at codon 363 of the SMAD2 protein (p.Asn363Ser).